The following is an entry in ClinVar:

ClinVar aggregate classification (germline): Uncertain significance. Review status: criteria provided, multiple submitters, no conflicts (2 of 4 stars). 2 submissions from 2 submitters: Uncertain significance (2). Last evaluated 2023-07-14.

Conditions:
COL5A2-related disorder. Also called: COL5A2-related condition.
Familial thoracic aortic aneurysm and aortic dissection (TAAD). Also called: Thoracic aortic aneurysms and dissections. Identifiers: Orphanet 91387, MedGen C4707243, MONDO:0019625.

Allele frequency attached by ClinVar (database versions not stated): gnomAD exomes below 0.00001; TOPMed below 0.00001; ExAC 0.00002; ESP Exome Variant Server 0.00008.
gnomAD v4.1: 7 of 1,611,672 alleles (0.00043%); highest among the groups gnomAD compares: Middle Eastern, 0.05%; no homozygotes.

Submissions (2):

PreventionGenetics, part of Exact Sciences
Classification: Uncertain significance for COL5A2-related condition. Last evaluated: 2023-07-14. Review status: criteria provided, single submitter. Criteria: ACMG Guidelines, 2015. Collection method: clinical testing. Allele origin: germline.
Comment: The COL5A2 c.964G>A variant is predicted to result in the amino acid substitution p.Glu322Lys. To our knowledge, this variant has not been reported in the literature. This variant is reported in 0.0029% of alleles in individuals of Latino descent in gnomAD. At this time, the clinical significance of this variant is uncertain due to the absence of conclusive functional and genetic evidence.

Ambry Genetics
Classification: Uncertain significance for Familial thoracic aortic aneurysm and aortic dissection. Last evaluated: 2021-09-01. Review status: criteria provided, single submitter. Criteria: Ambry Variant Classification Scheme 2023. Collection method: clinical testing. Allele origin: germline.
Comment: The p.E322K variant (also known as c.964G>A), located in coding exon 15 of the COL5A2 gene, results from a G to A substitution at nucleotide position 964. The glutamic acid at codon 322 is replaced by lysine, an amino acid with similar properties. This amino acid position is highly conserved in available vertebrate species. In addition, the in silico prediction for this alteration is inconclusive. Since supporting evidence is limited at this time, the clinical significance of this alteration remains unclear.

NM_000393.5(COL5A2):c.964G>A (p.Glu322Lys)

Gene: COL5A2 (collagen type V alpha 2 chain; minus strand). Cytogenetic location: 2q32.2.
Variant type: single nucleotide variant.
Coding change: c.964G>A on transcript NM_000393.5 (MANE Select); coding-DNA position 964, G replaced by A.
Protein change: p.Glu322Lys; replaces glutamic acid 322 with lysine.
Molecular consequence: missense variant.
Genome position (GRCh38, 1-based): chr2:189,079,104, C>T on the plus strand (G>A on the coding strand, the complement: COL5A2 is on the minus strand). VCF-style: chr2-189079104-C-T. GRCh37 (hg19) VCF-style: chr2-189943830-C-T.
Other names: c.964G>A (NM_000393.4); short protein forms E322K.
Identifiers: ClinVar variation 1767674 (VCV001767674.3), dbSNP rs142312726, ClinGen allele CA2022878.